The following is an entry in ClinVar:

ClinVar aggregate classification (germline): Uncertain significance (1 of 4 stars; one submission).

Conditions:
Inborn genetic diseases. Identifiers: MedGen C0950123, MeSH D030342.

Allele frequency attached by ClinVar (database versions not stated): TOPMed below 0.00001; gnomAD 0.00001.

Submission:

Ambry Genetics
Classification: Uncertain significance for Inborn genetic diseases. Last evaluated: 2021-01-11. Review status: criteria provided, single submitter. Criteria: Ambry Variant Classification Scheme 2023. Collection method: clinical testing. Allele origin: germline.
Comment: The p.E464K variant (also known as c.1390G>A), located in coding exon 10 of the SPTLC2 gene, results from a G to A substitution at nucleotide position 1390. The glutamic acid at codon 464 is replaced by lysine, an amino acid with similar properties. This amino acid position is well conserved in available vertebrate species. In addition, the in silico prediction for this alteration is inconclusive. Since supporting evidence is limited at this time, the clinical significance of this alteration remains unclear.

NM_004863.4(SPTLC2):c.1390G>A (p.Glu464Lys)

Gene: SPTLC2 (serine palmitoyltransferase long chain base subunit 2; minus strand). Cytogenetic location: 14q24.3.
Variant type: single nucleotide variant.
Coding change: c.1390G>A on transcript NM_004863.4 (MANE Select); coding-DNA position 1390, G replaced by A.
Protein change: p.Glu464Lys; replaces glutamic acid 464 with lysine.
Molecular consequence: missense variant.
Genome position (GRCh38, 1-based): chr14:77,521,495, C>T on the plus strand (G>A on the coding strand, the complement: SPTLC2 is on the minus strand). VCF-style: chr14-77521495-C-T. GRCh37 (hg19) VCF-style: chr14-77987838-C-T.
Other names: short protein forms E464K.
Identifiers: ClinVar variation 1771546 (VCV001771546.2), dbSNP rs2079384695, ClinGen allele CA390700811.